The following is an entry in ClinVar:

NM_006516.4(SLC2A1):c.997_1000del (p.Arg333fs)

Gene: SLC2A1 (solute carrier family 2 member 1; minus strand). Cytogenetic location: 1p34.2.
Variant type: Deletion.
Coding change: c.997_1000del on transcript NM_006516.4 (MANE Select); coding-DNA positions 997 to 1000, 4 bases deleted (CGGC; older notation c.997_1000delCGGC).
Protein change: p.Arg333fs; shifts the reading frame from arginine 333.
Molecular consequence: frameshift variant.
Genome position (GRCh38, 1-based): chr1:42,929,006-42,929,009, GCCG deleted on the plus strand (CGGC on the coding strand, the reverse complement: SLC2A1 is on the minus strand); deleting any 4 consecutive bases within chr1:42,929,006-42,929,012 gives the same sequence; the c. name uses the placement nearest the transcript's 3' end. VCF-style (leftmost placement, unchanged base first): chr1-42929005-CGCCG-C. GRCh37 (hg19) VCF-style: chr1-43394676-CGCCG-C.
Other names: short protein forms R333fs.
Identifiers: ClinVar variation 2033249 (VCV002033249.4), dbSNP rs2524988926, ClinGen allele CA2580062832.

ClinVar aggregate classification (germline): Pathogenic (1 of 4 stars; one submission).

Conditions:
GLUT1 deficiency syndrome 1, autosomal recessive. Identifiers: MedGen C3149117.

Submission:

Labcorp Genetics (formerly Invitae), Labcorp
Classification: Pathogenic for GLUT1 deficiency syndrome 1, autosomal recessive. Last evaluated: 2022-09-28. Review status: criteria provided, single submitter. Criteria: Invitae Variant Classification Sherloc (09022015). Collection method: clinical testing. Allele origin: germline.
Comment: For these reasons, this variant has been classified as Pathogenic. This variant has not been reported in the literature in individuals affected with SLC2A1-related conditions. This variant is not present in population databases (gnomAD no frequency). This sequence change creates a premature translational stop signal (p.Arg333Glyfs*6) in the SLC2A1 gene. It is expected to result in an absent or disrupted protein product. Loss-of-function variants in SLC2A1 are known to be pathogenic (PMID: 21832227, 26193382).

Literature cited by the submitters: PubMed 21832227; PubMed 26193382.